The following is an entry in ClinVar:

NM_002691.4(POLD1):c.899C>T (p.Pro300Leu)

Gene: POLD1 (DNA polymerase delta 1, catalytic subunit; plus strand). Cytogenetic location: 19q13.33.
Variant type: single nucleotide variant.
Coding change: c.899C>T on transcript NM_002691.4 (MANE Select); coding-DNA position 899, C replaced by T.
Protein change: p.Pro300Leu; replaces proline 300 with leucine.
Molecular consequence: missense variant. On other transcripts: non-coding transcript variant (1).
Genome position (GRCh38, 1-based): chr19:50,402,670, C>T. VCF-style: chr19-50402670-C-T. GRCh37 (hg19) VCF-style: chr19-50905927-C-T.
Other names: c.899C>T, p.Pro300Leu (NM_001256849.1, NM_001308632.1); c.899C>T (NM_002691.2); short protein forms P300L.
Identifiers: ClinVar variation 407943 (VCV000407943.8), dbSNP rs775463372, ClinGen allele CA9595946.

ClinVar aggregate classification (germline): Uncertain significance. Review status: criteria provided, multiple submitters, no conflicts (2 of 4 stars). 2 submissions from 2 submitters: Uncertain significance (2). Last evaluated 2026-01-14.

Conditions:
Hereditary cancer-predisposing syndrome. Also called: Neoplastic Syndromes, Hereditary; Hereditary neoplastic syndrome; Hereditary Cancer Syndrome; Tumor predisposition. Identifiers: Orphanet 140162, MedGen C0027672, MeSH D009386, MONDO:0015356.
POLD1-related polyposis and colorectal cancer syndrome (CRCS10). Also called: Colorectal cancer, susceptibility to, 10; Colorectal cancer 10; COLORECTAL CANCER, SUSCEPTIBILITY TO, ON CHROMOSOME 19q. Identifiers: Orphanet 220460, MedGen C2675481, MONDO:0012953, OMIM 612591.

Allele frequency attached by ClinVar (database versions not stated): gnomAD 0.00004; TOPMed 0.00005; gnomAD exomes 0.00003 and 0.00007; ExAC 0.00007.
gnomAD v4.1: 111 of 1,597,574 alleles (0.0069%); highest among the groups gnomAD compares: Non-Finnish European, 0.0086%; no homozygotes.

Submissions (2):

Labcorp Genetics (formerly Invitae), Labcorp
Classification: Uncertain significance for POLD1-related polyposis and colorectal cancer syndrome. Last evaluated: 2026-01-14. Review status: criteria provided, single submitter. Criteria: Invitae Variant Classification Sherloc (09022015). Collection method: clinical testing. Allele origin: germline.
Comment: This sequence change replaces proline, which is neutral and non-polar, with leucine, which is neutral and non-polar, at codon 300 of the POLD1 protein (p.Pro300Leu). This variant is present in population databases (rs775463372, gnomAD 0.006%). This variant has not been reported in the literature in individuals affected with POLD1-related conditions. ClinVar contains an entry for this variant (Variation ID: 407943). Invitae Evidence Modeling of protein sequence and biophysical properties (such as structural, functional, and spatial information, amino acid conservation, physicochemical variation, residue mobility, and thermodynamic stability) indicates that this missense variant is not expected to disrupt POLD1 protein function with a negative predictive value of 80%. In summary, the available evidence is currently insufficient to determine the role of this variant in disease. Therefore, it has been classified as a Variant of Uncertain Significance.

Ambry Genetics
Classification: Uncertain significance for Hereditary cancer-predisposing syndrome. Last evaluated: 2025-01-27. Review status: criteria provided, single submitter. Criteria: Ambry Variant Classification Scheme 2023. Collection method: clinical testing. Allele origin: germline.